The following is an entry in ClinVar:

NM_000214.3(JAG1):c.2493dup (p.Gly832fs)

Gene: JAG1 (jagged canonical Notch ligand 1; minus strand). Cytogenetic location: 20p12.2.
Variant type: Duplication.
Coding change: c.2493dup on transcript NM_000214.3 (MANE Select); coding-DNA position 2493, one base duplicated (T; older notation c.2493dupT).
Protein change: p.Gly832fs; shifts the reading frame from glycine 832.
Molecular consequence: frameshift variant.
Genome position (GRCh38, 1-based): chr20:10,642,567, A duplicated on the plus strand (T on the coding strand, the reverse complement: JAG1 is on the minus strand); the first of 3 consecutive A bases (chr20:10,642,567-10,642,569); duplicating any one gives the same sequence. VCF-style (leftmost placement, unchanged base first): chr20-10642566-C-CA. GRCh37 (hg19) VCF-style: chr20-10623214-C-CA.
Other names: short protein forms G832fs.
Identifiers: ClinVar variation 3054606 (VCV003054606.2), dbSNP rs2514510515, ClinGen allele CA2740097009.

ClinVar aggregate classification (germline): Likely pathogenic (0 of 4 stars; one submission).

Conditions:
JAG1-related disorder. Also called: JAG1-related disorders; JAG1-related condition.

Submission:

PreventionGenetics, part of Exact Sciences
Classification: Likely pathogenic for JAG1-related condition. Last evaluated: 2024-03-13. Review status: no assertion criteria provided. Collection method: clinical testing. Allele origin: germline.
Comment: The JAG1 c.2493dupT variant is predicted to result in a frameshift and premature protein termination (p.Gly832Trpfs*7). To our knowledge, this variant has not been reported in the literature or in a large population database, indicating this variant is rare. Frameshift variants in JAG1 are expected to be pathogenic. This variant is interpreted as likely pathogenic.